The following is an entry in ClinVar:

NM_058216.3(RAD51C):c.404+92T>C

Gene: RAD51C (RAD51 paralog C; plus strand). Cytogenetic location: 17q22.
Variant type: single nucleotide variant.
Coding change: c.404+92T>C on transcript NM_058216.3 (MANE Select); 92 bases into the intron after coding-DNA position 404, T replaced by C.
Molecular consequence: intron variant. On other transcripts: 3 prime UTR variant (1), non-coding transcript variant (1).
Genome position (GRCh38, 1-based): chr17:58,695,281, T>C. VCF-style: chr17-58695281-T-C. GRCh37 (hg19) VCF-style: chr17-56772642-T-C.
Other names: c.*88T>C (NM_002876.4).
Identifiers: ClinVar variation 3602626 (VCV003602626.1).
Genomic context (GRCh38, chr17:58,695,281, plus strand): 5'-GTTTAATAACATATTATGAAAGTAGTATTTTGTACTATCGTCAGGAAACCAAATAAGATA[T>C]ATATGTGCTCTTAATTTTAAGTGTGTATGTGCATTAAACAAAAATTAGCTTACTATTTGT-3'

ClinVar aggregate classification (germline): Likely benign (1 of 4 stars; one submission).

Conditions:
Hereditary breast ovarian cancer syndrome. Also called: Hereditary breast and ovarian cancer syndrome; Hereditary breast and ovarian cancer; Hereditary breast and ovarian cancer syndrome (HBOC); Hereditary breast and/or ovarian cancer syndrome; Breast and ovarian cancer; BRCA1- and BRCA2-Associated Hereditary Breast and Ovarian Cancer. Identifiers: Orphanet 145, MedGen C0677776, MeSH D061325, MONDO:0003582. Disease mechanism: loss of function.

gnomAD v4.1: 55 of 1,483,520 alleles (0.0037%); highest among the groups gnomAD compares: Non-Finnish European, 0.0047%; no homozygotes.

Submission:

Institute for Biomarker Research, Medical Diagnostic Laboratories, L.L.C.
Classification: Likely benign for Hereditary breast ovarian cancer syndrome. Last evaluated: 2024-11-20. Review status: criteria provided, single submitter. Criteria: ACMG Guidelines, 2015. Collection method: clinical testing. Allele origin: germline.
Comment: The intron variant NM_058216.3(RAD51C):c.404+92T>C has not been reported previously as a pathogenic variant, to our knowledge. The c.404+92T>C variant is novel (not in any individuals) in gnomAD. The c.404+92T>C variant is novel (not in any individuals) in 1kG. The c.404+92T>C variant is not predicted to disrupt an existing splice site. The c.404+92T>C variant results in a substitution of a base that is not predicted conserved by GERP++ and PhyloP. For these reasons, this variant has been classified as Likely Benign